The following is an entry in ClinVar:

ClinVar aggregate classification (germline): Uncertain significance (1 of 4 stars; one submission).

Conditions:
Familial adenomatous polyposis 1 (FAP1). Also called: FAMILIAL ADENOMATOUS POLYPOSIS 1, ATTENUATED; POLYPOSIS, ADENOMATOUS INTESTINAL. Identifiers: MedGen C2713442, MONDO:0021056, OMIM 175100. Disease mechanism: loss of function.

Submission:

Labcorp Genetics (formerly Invitae), Labcorp
Classification: Uncertain significance for Familial adenomatous polyposis 1. Last evaluated: 2021-04-11. Review status: criteria provided, single submitter. Criteria: Invitae Variant Classification Sherloc (09022015). Collection method: clinical testing. Allele origin: germline.
Comment: In summary, the available evidence is currently insufficient to determine the role of this variant in disease. Therefore, it has been classified as a Variant of Uncertain Significance. Algorithms developed to predict the effect of missense changes on protein structure and function are either unavailable or do not agree on the potential impact of this missense change (SIFT: "Deleterious"; PolyPhen-2: "Probably Damaging"; Align-GVGD: "Class C15"). This variant has not been reported in the literature in individuals with APC-related conditions. This variant is not present in population databases (ExAC no frequency). This sequence change replaces serine with phenylalanine at codon 985 of the APC protein (p.Ser985Phe). The serine residue is highly conserved and there is a large physicochemical difference between serine and phenylalanine.

NM_000038.6(APC):c.2954C>T (p.Ser985Phe)

Gene: APC (APC regulator of Wnt signaling pathway; plus strand). Cytogenetic location: 5q22.2.
Variant type: single nucleotide variant.
Coding change: c.2954C>T on transcript NM_000038.6 (MANE Select); coding-DNA position 2954, C replaced by T.
Protein change: p.Ser985Phe; replaces serine 985 with phenylalanine.
Molecular consequence: missense variant.
Genome position (GRCh38, 1-based): chr5:112,838,548, C>T. VCF-style: chr5-112838548-C-T. GRCh37 (hg19) VCF-style: chr5-112174245-C-T.
Other names: c.2954C>T, p.Ser985Phe (NM_001127510.3, NM_001354895.2); c.2900C>T, p.Ser967Phe (NM_001127511.3); c.3008C>T, p.Ser1003Phe (NM_001354896.2); c.2984C>T, p.Ser995Phe (NM_001354897.2); c.2879C>T, p.Ser960Phe (NM_001354898.2); c.2870C>T, p.Ser957Phe (NM_001354899.2); c.2831C>T, p.Ser944Phe (NM_001354900.2); c.2777C>T, p.Ser926Phe (NM_001354901.2); and 5 more; short protein forms S825F, S859F, S884F, S944F, S957F, S960F, S702F, S926F.
Identifiers: ClinVar variation 1475154 (VCV001475154.8), dbSNP rs2149881022, ClinGen allele CA16027787.